The following is an entry in ClinVar:

NM_014244.5(ADAMTS2):c.428_429insTC (p.Lys143fs)

Gene: ADAMTS2 (ADAM metallopeptidase with thrombospondin type 1 motif 2; minus strand). Cytogenetic location: 5q35.3.
Variant type: Insertion.
Coding change: c.428_429insTC on transcript NM_014244.5 (MANE Select); coding-DNA positions 428 to 429, TC inserted.
Protein change: p.Lys143fs; shifts the reading frame from lysine 143.
Molecular consequence: frameshift variant.
Genome position: GRCh38 VCF-style: chr5-179343872-C-CGA. GRCh37 (hg19) VCF-style: chr5-178770873-C-CGA.
Other names: c.428_429insTC, p.Lys143fs (NM_021599.4); short protein forms K143fs.
Identifiers: ClinVar variation 5013840 (VCV005013840.1).

ClinVar aggregate classification (germline): Pathogenic (1 of 4 stars; one submission).

Conditions:
Ehlers-Danlos syndrome, dermatosparaxis type. Also called: EDS VIIC; Dermatosparaxis; Ehlers-Danlos syndrome, type VII, autosomal recessive. Identifiers: Orphanet 1901, MedGen C2700425, MONDO:0009161, OMIM 225410.

Submission:

Myriad Genetics, Inc.
Classification: Pathogenic for Ehlers-Danlos syndrome, dermatosparaxis type. Last evaluated: 2024-12-07. Review status: criteria provided, single submitter. Criteria: Myriad Autosomal Dominant, Autosomal Recessive and X-Linked Classification Criteria (2023). Collection method: clinical testing. Allele origin: unknown.
Comment: NM_014244.4(ADAMTS2):c.428_429insTC(K143Nfs*23) is expected to be pathogenic in the context of Ehlers-Danlos syndrome, ADAMTS2-related. This variant is predicted to lead to an abnormal or absent protein product due to the creation of a premature termination codon in ADAMTS2, a gene where loss-of-function variants are known to be pathogenic. Please note: this variant was assessed in the context of healthy population screening.